The following is an entry in ClinVar:

NM_001037333.3(CYFIP2):c.3164C>T (p.Pro1055Leu)

Genes: CYFIP2 (cytoplasmic FMR1 interacting protein 2; plus strand), NIPAL4-DT (NIPAL4 divergent transcript; minus strand). Cytogenetic location: 5q33.3.
Variant type: single nucleotide variant.
Coding change: c.3164C>T on transcript NM_001037333.3 (MANE Select); coding-DNA position 3164, C replaced by T.
Protein change: p.Pro1055Leu; replaces proline 1055 with leucine.
Molecular consequence: missense variant.
Genome position (GRCh38, 1-based): chr5:157,383,316, C>T. VCF-style: chr5-157383316-C-T. GRCh37 (hg19) VCF-style: chr5-156810324-C-T.
Other names: c.3086C>T, p.Pro1029Leu (NM_001291721.2); c.3239C>T, p.Pro1080Leu (NM_001291722.2); c.3164C>T, p.Pro1055Leu (NM_014376.4); c.3164C>T (NM_001037333.1); short protein forms P1055L, P1029L, P1080L.
Identifiers: ClinVar variation 1478609 (VCV001478609.12), dbSNP rs756207677, ClinGen allele CA3534259.

ClinVar aggregate classification (germline): Conflicting classifications of pathogenicity. Review status: criteria provided, conflicting classifications (1 of 4 stars). 4 submissions from 4 submitters: Uncertain significance (2); Likely benign (2). Last evaluated 2026-02-03.

Conditions:
Developmental and epileptic encephalopathy, 65. Also called: EPILEPTIC ENCEPHALOPATHY, EARLY INFANTILE, 65. Identifiers: MedGen C4693925, MONDO:0033374, OMIM 618008.
Inborn genetic diseases. Identifiers: MedGen C0950123, MeSH D030342.

Allele frequency attached by ClinVar (database versions not stated): ExAC 0.00002; gnomAD exomes 0.00003; TOPMed 0.00004; gnomAD 0.00006 and 0.00007.
gnomAD v4.1: 57 of 1,613,758 alleles (0.0035%); highest among the groups gnomAD compares: Admixed American, 0.01%; no homozygotes.

Submissions (4):

Labcorp Genetics (formerly Invitae), Labcorp
Classification: Likely benign. Last evaluated: 2026-02-03. Review status: criteria provided, single submitter. Criteria: Invitae Variant Classification Sherloc (09022015). Collection method: clinical testing. Allele origin: germline.

CeGaT Center for Human Genetics Tuebingen
Classification: Likely benign. Last evaluated: 2026-01-01. Review status: criteria provided, single submitter. Criteria: CeGaT Center For Human Genetics Tuebingen Variant Classification Criteria Version 2. Collection method: clinical testing. Allele origin: germline. Affected: yes. Observed: 1 variant allele.
Comment: CYFIP2: BS2

Ambry Genetics
Classification: Uncertain significance for Inborn genetic diseases. Last evaluated: 2024-02-06. Review status: criteria provided, single submitter. Criteria: Ambry Variant Classification Scheme 2023. Collection method: clinical testing. Allele origin: germline.

Fulgent Genetics
Classification: Uncertain significance for Developmental and epileptic encephalopathy, 65. Last evaluated: 2022-04-01. Review status: criteria provided, single submitter. Criteria: ACMG Guidelines, 2015. Collection method: clinical testing. Allele origin: unknown.